The following is an entry in ClinVar:

NM_007254.4(PNKP):c.107G>C (p.Gly36Ala)

Gene: PNKP (polynucleotide kinase 3'-phosphatase; minus strand). Cytogenetic location: 19q13.33.
Variant type: single nucleotide variant.
Coding change: c.107G>C on transcript NM_007254.4 (MANE Select); coding-DNA position 107, G replaced by C.
Protein change: p.Gly36Ala; replaces glycine 36 with alanine.
Molecular consequence: missense variant.
Genome position (GRCh38, 1-based): chr19:49,867,098, C>G on the plus strand (G>C on the coding strand, the complement: PNKP is on the minus strand). VCF-style: chr19-49867098-C-G. GRCh37 (hg19) VCF-style: chr19-50370355-C-G.
Other names: short protein forms G36A.
Identifiers: ClinVar variation 1484023 (VCV001484023.6), dbSNP rs756589726, ClinGen allele CA406893522.

ClinVar aggregate classification (germline): Uncertain significance (1 of 4 stars; one submission).

Conditions:
Developmental and epileptic encephalopathy, 12 (DEE12). Identifiers: MedGen C3150988, MONDO:0013389, OMIM 613722.

gnomAD v4.1: 7 of 1,613,608 alleles (0.00043%); highest among the groups gnomAD compares: African/African-American, 0.008%; no homozygotes.

Submission:

Labcorp Genetics (formerly Invitae), Labcorp
Classification: Uncertain significance for Developmental and epileptic encephalopathy, 12. Last evaluated: 2024-06-03. Review status: criteria provided, single submitter. Criteria: Invitae Variant Classification Sherloc (09022015). Collection method: clinical testing. Allele origin: germline.
Comment: This sequence change replaces glycine, which is neutral and non-polar, with alanine, which is neutral and non-polar, at codon 36 of the PNKP protein (p.Gly36Ala). This variant is present in population databases (no rsID available, gnomAD 0.01%). This variant has not been reported in the literature in individuals affected with PNKP-related conditions. ClinVar contains an entry for this variant (Variation ID: 1484023). An algorithm developed to predict the effect of missense changes on protein structure and function (PolyPhen-2) suggests that this variant is likely to be disruptive. In summary, the available evidence is currently insufficient to determine the role of this variant in disease. Therefore, it has been classified as a Variant of Uncertain Significance.